The following is an entry in ClinVar:

ClinVar aggregate classification (germline): Uncertain significance (1 of 4 stars; one submission).

Conditions:
Hereditary cancer-predisposing syndrome. Also called: Neoplastic Syndromes, Hereditary; Tumor predisposition; Hereditary Cancer Syndrome; Hereditary neoplastic syndrome. Identifiers: Orphanet 140162, MedGen C0027672, MeSH D009386, MONDO:0015356.

Submission:

Ambry Genetics
Classification: Uncertain significance for Hereditary cancer-predisposing syndrome. Last evaluated: 2014-01-10. Review status: criteria provided, single submitter. Criteria: Ambry Autosomal Dominant and X-Linked criteria (10/2015). Collection method: clinical testing. Allele origin: germline. Observed: 1 variant allele.
Comment: Ã¢â‚¬â€¹The p.A372G variant (also known as c.1115C>G) is located in coding exon 9 of the NBN gene. This alteration results from a C to G substitution at nucleotide position 1115. The alanine at codon 372 is replaced by glycine, an amino acid with similar properties. This variant was not reported in population-based cohorts in the following databases: Database of Single Nucleotide Polymorphisms (dbSNP), NHLBI Exome Sequencing Project (ESP) and 1000 Genomes Project. To date, this alteration has been detected with an allele frequency of approximately 0.01% (greater than 9500 alleles tested) in our clinical cohort (includes this individual). Based on protein sequence alignment, this amino acid position is not well conserved in available vertebrate species. In addition, this alteration is predicted to be possibly damaging yet tolerated by PolyPhen and SIFT in silico analyses, respectively. Since supporting evidence is limited at this time, the clinical significance of p.A372G remains unclear.

NM_002485.5(NBN):c.1115C>G (p.Ala372Gly)

Gene: NBN (nibrin; minus strand). Cytogenetic location: 8q21.3.
Variant type: single nucleotide variant.
Coding change: c.1115C>G on transcript NM_002485.5 (MANE Select); coding-DNA position 1115, C replaced by G.
Protein change: p.Ala372Gly; replaces alanine 372 with glycine.
Molecular consequence: missense variant.
Genome position (GRCh38, 1-based): chr8:89,958,734, G>C on the plus strand (C>G on the coding strand, the complement: NBN is on the minus strand). VCF-style: chr8-89958734-G-C. GRCh37 (hg19) VCF-style: chr8-90970962-G-C.
Other names: c.869C>G, p.Ala290Gly (NM_001024688.3); short protein forms A372G, A290G.
Identifiers: ClinVar variation 141019 (VCV000141019.3), dbSNP rs587781438, ClinGen allele CA164242.